The following is an entry in ClinVar:

ClinVar aggregate classification (germline): Uncertain significance (1 of 4 stars; one submission).

Conditions:
Autosomal recessive limb-girdle muscular dystrophy type R18 (LGMDR18). Also called: Autosomal recessive limb-girdle muscular dystrophy type 2S; Limb-girdle muscular dystrophy, type 2S; MUSCULAR DYSTROPHY, LIMB-GIRDLE, AUTOSOMAL RECESSIVE 18. Identifiers: Orphanet 369840, MedGen C4517996, MONDO:0014144, OMIM 615356.

gnomAD v4.1: 13 of 1,591,006 alleles (0.00082%); highest among the groups gnomAD compares: Non-Finnish European, 0.0011%; no homozygotes.

Submission:

Labcorp Genetics (formerly Invitae), Labcorp
Classification: Uncertain significance for Autosomal recessive limb-girdle muscular dystrophy type R18. Last evaluated: 2022-07-05. Review status: criteria provided, single submitter. Criteria: Invitae Variant Classification Sherloc (09022015). Collection method: clinical testing. Allele origin: germline.
Comment: In summary, the available evidence is currently insufficient to determine the role of this variant in disease. Therefore, it has been classified as a Variant of Uncertain Significance. Algorithms developed to predict the effect of missense changes on protein structure and function are either unavailable or do not agree on the potential impact of this missense change (SIFT: "Deleterious"; PolyPhen-2: "Possibly Damaging"; Align-GVGD: "Class C0"). ClinVar contains an entry for this variant (Variation ID: 839217). This variant has not been reported in the literature in individuals affected with TRAPPC11-related conditions. This variant is not present in population databases (gnomAD no frequency). This sequence change replaces leucine, which is neutral and non-polar, with phenylalanine, which is neutral and non-polar, at codon 214 of the TRAPPC11 protein (p.Leu214Phe).

NM_021942.6(TRAPPC11):c.642G>T (p.Leu214Phe)

Gene: TRAPPC11 (trafficking protein particle complex subunit 11; plus strand). Cytogenetic location: 4q35.1.
Variant type: single nucleotide variant.
Coding change: c.642G>T on transcript NM_021942.6 (MANE Select); coding-DNA position 642, G replaced by T.
Protein change: p.Leu214Phe; replaces leucine 214 with phenylalanine.
Molecular consequence: missense variant.
Genome position (GRCh38, 1-based): chr4:183,674,794, G>T. VCF-style: chr4-183674794-G-T. GRCh37 (hg19) VCF-style: chr4-184595947-G-T.
Other names: c.642G>T, p.Leu214Phe (NM_199053.3); short protein forms L214F.
Identifiers: ClinVar variation 839217 (VCV000839217.8), dbSNP rs1579173461, ClinGen allele CA358860983.